The following is an entry in ClinVar:

NM_003108.4(SOX11):c.1152C>T (p.Gly384=)

Gene: SOX11 (SRY-box transcription factor 11; plus strand). Cytogenetic location: 2p25.2.
Variant type: single nucleotide variant.
Coding change: c.1152C>T on transcript NM_003108.4 (MANE Select); coding-DNA position 1152, C replaced by T.
Protein change: p.Gly384=; no amino-acid change (glycine 384 retained).
Molecular consequence: synonymous variant.
Genome position (GRCh38, 1-based): chr2:5,693,873, C>T. VCF-style: chr2-5693873-C-T. GRCh37 (hg19) VCF-style: chr2-5834005-C-T.
Identifiers: ClinVar variation 722036 (VCV000722036.11), dbSNP rs370958574, ClinGen allele CA1517995.

ClinVar aggregate classification (germline): Likely benign. Review status: criteria provided, multiple submitters, no conflicts (2 of 4 stars). 3 submissions from 3 submitters: Likely benign (2). 1 of the submissions does not count toward it. Last evaluated 2026-01-15.

Conditions:
SOX11-related disorder. Also called: SOX11-related condition.

Allele frequency attached by ClinVar (database versions not stated): gnomAD 0.00004 and 0.00007; TOPMed 0.00004; ExAC 0.00018; 1000 Genomes Project 30x 0.00062; 1000 Genomes Project 0.00080.
gnomAD v4.1: 46 of 1,551,392 alleles (0.003%); highest among the groups gnomAD compares: East Asian, 0.076%; no homozygotes.

Submissions (3):

Labcorp Genetics (formerly Invitae), Labcorp
Classification: Likely benign. Last evaluated: 2026-01-15. Review status: criteria provided, single submitter. Criteria: Invitae Variant Classification Sherloc (09022015). Collection method: clinical testing. Allele origin: germline.

Blueprint Genetics
Classification: Likely benign. Last evaluated: 2019-11-28. Review status: criteria provided, single submitter. Criteria: ACMG Guidelines, 2015. Collection method: clinical testing. Allele origin: germline.

PreventionGenetics, part of Exact Sciences
Classification: Likely benign for SOX11-related condition. Last evaluated: 2020-12-21. Review status: no assertion criteria provided. Collection method: clinical testing. Allele origin: germline. Not counted in ClinVar's aggregate classification.
Comment: This variant is classified as likely benign based on ACMG/AMP sequence variant interpretation guidelines (Richards et al. 2015 PMID: 25741868, with internal and published modifications).